The following is an entry in ClinVar:

NM_001130438.3(SPTAN1):c.1357C>T (p.Leu453=)

Gene: SPTAN1 (spectrin alpha, non-erythrocytic 1; plus strand). Cytogenetic location: 9q34.11.
Variant type: single nucleotide variant.
Coding change: c.1357C>T on transcript NM_001130438.3 (MANE Select); coding-DNA position 1357, C replaced by T.
Protein change: p.Leu453=; no amino-acid change (leucine 453 retained).
Molecular consequence: synonymous variant.
Genome position (GRCh38, 1-based): chr9:128,580,955, C>T. VCF-style: chr9-128580955-C-T. GRCh37 (hg19) VCF-style: chr9-131343234-C-T.
Other names: c.1357C>T, p.Leu453= (NM_001195532.2, NM_001363759.2, NM_001363765.2 and 1 more transcripts).
Identifiers: ClinVar variation 670073 (VCV000670073.4), dbSNP rs200827350, ClinGen allele CA200377662.

ClinVar aggregate classification (germline): Likely benign. Review status: criteria provided, multiple submitters, no conflicts (2 of 4 stars). 3 submissions from 3 submitters: Likely benign (3). Last evaluated 2026-09-01.

Conditions:
Early-infantile DEE. Also called: Early infantile epileptic encephalopathy with suppression bursts; Early infantile epileptic encephalopathy; Ohtahara syndrome. Identifiers: Orphanet 1934, MedGen C0393706, MONDO:0800491.

Allele frequency attached by ClinVar (database versions not stated): gnomAD exomes below 0.00001; gnomAD 0.00001; TOPMed 0.00001.
gnomAD v4.1: 7 of 1,613,590 alleles (0.00043%); highest among the groups gnomAD compares: South Asian, 0.0011%; no homozygotes.

Submissions (3):

CeGaT Center for Human Genetics Tuebingen
Classification: Likely benign. Last evaluated: 2026-09-01. Review status: criteria provided, single submitter. Criteria: CeGaT Center For Human Genetics Tuebingen Variant Classification Criteria Version 2. Collection method: clinical testing. Allele origin: germline. Affected: yes. Observed: 1 variant allele.
Comment: SPTAN1: BP4, BP7

Labcorp Genetics (formerly Invitae), Labcorp
Classification: Likely benign for Early-infantile DEE. Last evaluated: 2025-01-08. Review status: criteria provided, single submitter. Criteria: Invitae Variant Classification Sherloc (09022015). Collection method: clinical testing. Allele origin: germline.

GeneDx
Classification: Likely benign. Last evaluated: 2018-06-13. Review status: criteria provided, single submitter. Criteria: GeneDx Variant Classification (06012015). Collection method: clinical testing. Allele origin: germline. Affected: yes.
Comment: This variant is considered likely benign or benign based on one or more of the following criteria: it is a conservative change, it occurs at a poorly conserved position in the protein, it is predicted to be benign by multiple in silico algorithms, and/or has population frequency not consistent with disease.